The following is an entry in ClinVar:

ClinVar aggregate classification (germline): Uncertain significance. Review status: criteria provided, multiple submitters, no conflicts (2 of 4 stars). 4 submissions from 4 submitters: Uncertain significance (3). 1 of the submissions does not count toward it. Last evaluated 2025-10-15.

Conditions:
WRN-related disorder. Also called: WRN-related condition.
Inborn genetic diseases. Identifiers: MedGen C0950123, MeSH D030342.
Werner syndrome (WRN). Identifiers: Orphanet 902, MedGen C0043119, MONDO:0010196, OMIM 277700.

Allele frequency attached by ClinVar (database versions not stated): gnomAD exomes 0.00001 and 0.00004; ExAC 0.00002; TOPMed 0.00004; gnomAD 0.00005.
gnomAD v4.1: 63 of 1,613,730 alleles (0.0039%); highest among the groups gnomAD compares: Non-Finnish European, 0.005%; no homozygotes.

Submissions (4):

Mayo Clinic Laboratories, Mayo Clinic
Classification: Uncertain significance. Last evaluated: 2025-10-15. Review status: criteria provided, single submitter. Criteria: ACMG Guidelines, 2015. Collection method: clinical testing. Allele origin: germline. Observed: 1 variant allele.
Comment: BP4_moderate, PM2_supporting

Labcorp Genetics (formerly Invitae), Labcorp
Classification: Uncertain significance for Werner syndrome. Last evaluated: 2025-07-21. Review status: criteria provided, single submitter. Criteria: Invitae Variant Classification Sherloc (09022015). Collection method: clinical testing. Allele origin: germline.
Comment: This sequence change replaces glycine, which is neutral and non-polar, with valine, which is neutral and non-polar, at codon 502 of the WRN protein (p.Gly502Val). This variant is present in population databases (rs201172985, gnomAD 0.0009%). This variant has not been reported in the literature in individuals affected with WRN-related conditions. ClinVar contains an entry for this variant (Variation ID: 404021). An algorithm developed to predict the effect of missense changes on protein structure and function (PolyPhen-2) suggests that this variant is likely to be tolerated. In summary, the available evidence is currently insufficient to determine the role of this variant in disease. Therefore, it has been classified as a Variant of Uncertain Significance.

Ambry Genetics
Classification: Uncertain significance for Inborn genetic diseases. Last evaluated: 2022-07-20. Review status: criteria provided, single submitter. Criteria: Ambry Variant Classification Scheme 2023. Collection method: clinical testing. Allele origin: germline.

PreventionGenetics, part of Exact Sciences
Classification: Uncertain significance for WRN-related condition. Last evaluated: 2024-01-02. Review status: no assertion criteria provided. Collection method: clinical testing. Allele origin: germline. Not counted in ClinVar's aggregate classification.
Comment: The WRN c.1505G>T variant is predicted to result in the amino acid substitution p.Gly502Val. To our knowledge, this variant has not been reported in the literature. This variant is reported in 0.0026% of alleles in individuals of European (Non-Finnish) descent in gnomAD and has been reported in ClinVar as uncertain. At this time, the clinical significance of this variant is uncertain due to the absence of conclusive functional and genetic evidence.

NM_000553.6(WRN):c.1505G>T (p.Gly502Val)

Gene: WRN (WRN RecQ like helicase; plus strand). Cytogenetic location: 8p12.
Variant type: single nucleotide variant.
Coding change: c.1505G>T on transcript NM_000553.6 (MANE Select); coding-DNA position 1505, G replaced by T.
Protein change: p.Gly502Val; replaces glycine 502 with valine.
Molecular consequence: missense variant.
Genome position (GRCh38, 1-based): chr8:31,087,849, G>T. VCF-style: chr8-31087849-G-T. GRCh37 (hg19) VCF-style: chr8-30945365-G-T.
Other names: p.Gly502Val; short protein forms G502V.
Identifiers: ClinVar variation 404021 (VCV000404021.11), dbSNP rs201172985, ClinGen allele CA4704386.